The following is an entry in ClinVar:

NM_005869.4(CWC27):c.77_78del (p.Ile26fs)

Gene: CWC27 (CWC27 spliceosome associated cyclophilin; plus strand). Cytogenetic location: 5q12.3.
Variant type: Deletion.
Coding change: c.77_78del on transcript NM_005869.4 (MANE Select); coding-DNA positions 77 to 78, 2 bases deleted (TA; older notation c.77_78delTA).
Protein change: p.Ile26fs; shifts the reading frame from isoleucine 26.
Molecular consequence: frameshift variant.
Genome position (GRCh38, 1-based): chr5:64,774,725-64,774,726, TA deleted; deleting any 2 consecutive bases within chr5:64,774,724-64,774,726 gives the same sequence; the c. name uses the placement nearest the transcript's 3' end. VCF-style (leftmost placement, unchanged base first): chr5-64774723-CAT-C. GRCh37 (hg19) VCF-style: chr5-64070550-CAT-C.
Other names: c.77_78del, p.Ile26fs (NM_001297644.1, NM_001297645.2, NM_001318000.2 and 1 more transcripts); short protein forms I26fs.
Identifiers: ClinVar variation 843649 (VCV000843649.9), dbSNP rs1743380522, ClinGen allele CA916082713.

ClinVar aggregate classification (germline): Pathogenic (1 of 4 stars; one submission).

Submission:

Labcorp Genetics (formerly Invitae), Labcorp
Classification: Pathogenic. Last evaluated: 2022-07-26. Review status: criteria provided, single submitter. Criteria: Invitae Variant Classification Sherloc (09022015). Collection method: clinical testing. Allele origin: germline.
Comment: For these reasons, this variant has been classified as Pathogenic. ClinVar contains an entry for this variant (Variation ID: 843649). This variant has not been reported in the literature in individuals affected with CWC27-related conditions. This variant is not present in population databases (gnomAD no frequency). This sequence change creates a premature translational stop signal (p.Ile26Argfs*9) in the CWC27 gene. It is expected to result in an absent or disrupted protein product. Loss-of-function variants in CWC27 are known to be pathogenic (PMID: 28285769).

Literature cited by the submitters: PubMed 28285769.